The following is an entry in ClinVar:

ClinVar aggregate classification (germline): Uncertain significance (1 of 4 stars; one submission).

Submission:

CeGaT Center for Human Genetics Tuebingen
Classification: Uncertain significance. Last evaluated: 2025-07-01. Review status: criteria provided, single submitter. Criteria: CeGaT Center For Human Genetics Tuebingen Variant Classification Criteria Version 2. Collection method: clinical testing. Allele origin: germline. Affected: yes. Observed: 1 variant allele.
Comment: ANO4: PM2, PP2

NM_001286615.2(ANO4):c.2101C>T (p.Leu701Phe)

Gene: ANO4 (anoctamin 4). Cytogenetic location: 12q23.1.
Variant type: single nucleotide variant.
Coding change: c.2101C>T on transcript NM_001286615.2 (MANE Select); coding-DNA position 2101, C replaced by T.
Protein change: p.Leu701Phe; replaces leucine 701 with phenylalanine.
Molecular consequence: missense variant.
Genome position (GRCh38, 1-based): chr12:101,099,672, C>T. VCF-style: chr12-101099672-C-T. GRCh37 (hg19) VCF-style: chr12-101493450-C-T.
Other names: c.2101C>T, p.Leu701Phe (NM_001286616.1); c.1996C>T, p.Leu666Phe (NM_178826.4); short protein forms L666F, L701F.
Identifiers: ClinVar variation 4085522 (VCV004085522.8).